The following is an entry in ClinVar:

NM_025000.4(DCAF17):c.16A>C (p.Lys6Gln)

Genes: DCAF17 (DDB1 and CUL4 associated factor 17; plus strand), METTL8 (methyltransferase 8, tRNA N3-cytidine; minus strand). Cytogenetic location: 2q31.1.
Variant type: single nucleotide variant.
Coding change: c.16A>C on transcript NM_025000.4 (MANE Select); coding-DNA position 16, A replaced by C.
Protein change: p.Lys6Gln; replaces lysine 6 with glutamine.
Molecular consequence: missense variant. On other transcripts: non-coding transcript variant (1), intron variant (4).
Genome position (GRCh38, 1-based): chr2:171,434,593, A>C. VCF-style: chr2-171434593-A-C. GRCh37 (hg19) VCF-style: chr2-172291103-A-C.
Other names: c.16A>C, p.Lys6Gln (NM_001164821.2); c.8+81T>G (NM_001321161.2, NM_001321158.2, NM_001321157.2); c.-13+81T>G (NM_024770.5); short protein forms K6Q.
Identifiers: ClinVar variation 2139628 (VCV002139628.4), dbSNP rs566095351, ClinGen allele CA1964531.

ClinVar aggregate classification (germline): Likely benign. Review status: criteria provided, multiple submitters, no conflicts (2 of 4 stars). 2 submissions from 2 submitters: Likely benign (2). Last evaluated 2026-07-23.

Conditions:
Woodhouse-Sakati syndrome. Also called: Hypogonadism, Alopecia, Diabetes Mellitus, Mental Retardation, and Extrapyramidal Syndrome; Hypogonadism, diabetes mellitus, alopecia, mental retardation and electrocardiographic abnormalities; EXTRAPYRAMIDAL DISORDER, PROGRESSIVE, WITH PRIMARY HYPOGONADISM, MENTAL RETARDATION, AND ALOPECIA. Identifiers: Orphanet 3464, MedGen C0342286, MONDO:0009419, OMIM 241080.
DCAF17-related disorder. Also called: DCAF17-related condition.

Allele frequency attached by ClinVar (database versions not stated): 1000 Genomes Project 30x 0.00031; ExAC 0.00133; gnomAD 0.00007; gnomAD exomes 0.00016; TOPMed 0.00002; 1000 Genomes Project 0.00020.
gnomAD v4.1: 231 of 1,527,716 alleles (0.015%); highest among the groups gnomAD compares: South Asian, 0.26%; no homozygotes.

Submissions (2):

PreventionGenetics, part of Exact Sciences
Classification: Likely benign for DCAF17-related condition. Last evaluated: 2026-07-23. Review status: criteria provided, single submitter. Criteria: ACMG Guidelines, 2015. Collection method: clinical testing. Allele origin: germline.
Comment: This variant is classified as likely benign based on ACMG/AMP sequence variant interpretation guidelines (Richards et al. 2015 PMID: 25741868, with internal and published modifications).

Labcorp Genetics (formerly Invitae), Labcorp
Classification: Likely benign for Woodhouse-Sakati syndrome. Last evaluated: 2025-12-30. Review status: criteria provided, single submitter. Criteria: Invitae Variant Classification Sherloc (09022015). Collection method: clinical testing. Allele origin: germline.